The following is an entry in ClinVar:

ClinVar aggregate classification (germline): Uncertain significance (1 of 4 stars; one submission).

Conditions:
Cardiovascular phenotype. Identifiers: MedGen CN230736.

Submission:

Ambry Genetics
Classification: Uncertain significance for Cardiovascular phenotype. Last evaluated: 2025-08-28. Review status: criteria provided, single submitter. Criteria: Ambry Variant Classification Scheme 2023. Collection method: clinical testing. Allele origin: germline.
Comment: The p.I126T variant (also known as c.377T>C), located in coding exon 5 of the CALM3 gene, results from a T to C substitution at nucleotide position 377. The isoleucine at codon 126 is replaced by threonine, an amino acid with similar properties. This amino acid position is conserved. In addition, this alteration is predicted to be deleterious by in silico analysis. Based on the available evidence, the clinical significance of this variant remains unclear.

NM_005184.4(CALM3):c.377T>C (p.Ile126Thr)

Gene: CALM3 (calmodulin 3; plus strand). Cytogenetic location: 19q13.32.
Variant type: single nucleotide variant.
Coding change: c.377T>C on transcript NM_005184.4 (MANE Select); coding-DNA position 377, T replaced by C.
Protein change: p.Ile126Thr; replaces isoleucine 126 with threonine.
Molecular consequence: missense variant.
Genome position (GRCh38, 1-based): chr19:46,608,937, T>C. VCF-style: chr19-46608937-T-C. GRCh37 (hg19) VCF-style: chr19-47112194-T-C.
Other names: c.269T>C, p.Ile90Thr (NM_001329926.2, NM_001329921.1, NM_001329923.1 and 2 more transcripts); c.377T>C, p.Ile126Thr (NM_001329922.1); short protein forms I126T, I90T.
Identifiers: ClinVar variation 4218353 (VCV004218353.1).